The following is an entry in ClinVar:

ClinVar aggregate classification (germline): Benign/Likely benign. Review status: criteria provided, multiple submitters, no conflicts (2 of 4 stars). 8 submissions from 8 submitters: Benign (1); Likely benign (7). Last evaluated 2026-01-28.

Conditions:
Noonan syndrome and Noonan-related syndrome. Identifiers: Orphanet 98733, MedGen C5681679, MONDO:0020297.
Cardiovascular phenotype. Identifiers: MedGen CN230736.
Hereditary cancer-predisposing syndrome. Also called: Tumor predisposition; Neoplastic Syndromes, Hereditary; Hereditary Cancer Syndrome; Hereditary neoplastic syndrome. Identifiers: Orphanet 140162, MedGen C0027672, MeSH D009386, MONDO:0015356.
Costello syndrome (CSTLO). Also called: FACIOCUTANEOSKELETAL SYNDROME; FCS SYNDROME; HRAS-Related Costello Syndrome. Identifiers: Orphanet 3071, MedGen C0587248, MONDO:0009026, OMIM 218040.

Allele frequency attached by ClinVar (database versions not stated): gnomAD exomes 0.00011; ExAC 0.00012; TOPMed 0.00007; gnomAD 0.00010.
gnomAD v4.1: 531 of 1,613,128 alleles (0.033%); highest among the groups gnomAD compares: Non-Finnish European, 0.044%; no homozygotes.

Submissions (8):

Labcorp Genetics (formerly Invitae), Labcorp
Classification: Likely benign for Costello syndrome. Last evaluated: 2026-01-28. Review status: criteria provided, single submitter. Criteria: Invitae Variant Classification Sherloc (09022015). Collection method: clinical testing. Allele origin: germline.

Blueprint Genetics
Classification: Likely benign. Last evaluated: 2024-11-06. Review status: criteria provided, single submitter. Criteria: ACMG Guidelines, 2015. Collection method: clinical testing. Allele origin: germline.

CeGaT Center for Human Genetics Tuebingen
Classification: Likely benign. Last evaluated: 2024-06-01. Review status: criteria provided, single submitter. Criteria: CeGaT Center For Human Genetics Tuebingen Variant Classification Criteria Version 2. Collection method: clinical testing. Allele origin: germline. Affected: yes. Observed: 2 variant alleles.
Comment: HRAS: BP4, BP7

Ambry Genetics
Classification: Likely benign for Cardiovascular phenotype. Last evaluated: 2022-03-04. Review status: criteria provided, single submitter. Criteria: Ambry Variant Classification Scheme 2023. Collection method: clinical testing. Allele origin: germline.

Genome Diagnostics Laboratory, The Hospital for Sick Children
Classification: Likely benign for Noonan syndrome and Noonan-related syndrome. Last evaluated: 2020-09-03. Review status: criteria provided, single submitter. Criteria: ACMG Guidelines, 2015. Collection method: clinical testing. Allele origin: germline.

Sema4
Classification: Likely benign for Hereditary cancer-predisposing syndrome. Last evaluated: 2020-06-08. Review status: criteria provided, single submitter. Criteria: Sema4 Curation Guidelines. Collection method: curation. Allele origin: germline.

GeneDx
Classification: Benign. Last evaluated: 2014-10-22. Review status: criteria provided, single submitter. Criteria: GeneDx Variant Classification (06012015). Collection method: clinical testing. Allele origin: germline. Affected: yes.
Comment: This variant is considered likely benign or benign based on one or more of the following criteria: it is a conservative change, it occurs at a poorly conserved position in the protein, it is predicted to be benign by multiple in silico algorithms, and/or has population frequency not consistent with disease.

PreventionGenetics, part of Exact Sciences
Classification: Likely benign. Review status: criteria provided, single submitter. Criteria: ACMG Guidelines, 2015. Collection method: clinical testing. Allele origin: germline.

NM_005343.4(HRAS):c.177C>T (p.Ala59=)

Genes: HRAS (HRas proto-oncogene, GTPase; minus strand), LRRC56 (leucine rich repeat containing 56; plus strand). Cytogenetic location: 11p15.5.
Variant type: single nucleotide variant.
Coding change: c.177C>T on transcript NM_005343.4 (MANE Select); coding-DNA position 177, C replaced by T.
Protein change: p.Ala59=; no amino-acid change (alanine 59 retained).
Molecular consequence: synonymous variant. On other transcripts: 5 prime UTR variant (1).
Genome position (GRCh38, 1-based): chr11:533,879, G>A on the plus strand (C>T on the coding strand, the complement: HRAS is on the minus strand). VCF-style: chr11-533879-G-A. GRCh37 (hg19) VCF-style: chr11-533879-G-A.
Other names: p.A59A:GCC>GCT; c.177C>T, p.Ala59= (NM_001130442.3, NM_176795.5); c.-143C>T (NM_001318054.2).
Identifiers: ClinVar variation 180847 (VCV000180847.44), dbSNP rs730880456, ClinGen allele CA296048.